The following is an entry in ClinVar:

ClinVar aggregate classification (germline): Uncertain significance. Review status: criteria provided, multiple submitters, no conflicts (2 of 4 stars). 2 submissions from 2 submitters: Uncertain significance (2). Last evaluated 2025-01-20.

Conditions:
POLD1-related polyposis and colorectal cancer syndrome (CRCS10). Also called: Colorectal cancer 10; COLORECTAL CANCER, SUSCEPTIBILITY TO, ON CHROMOSOME 19q; Colorectal cancer, susceptibility to, 10. Identifiers: Orphanet 220460, MedGen C2675481, MONDO:0012953, OMIM 612591.
Hereditary cancer-predisposing syndrome. Also called: Neoplastic Syndromes, Hereditary; Hereditary neoplastic syndrome; Tumor predisposition; Hereditary Cancer Syndrome. Identifiers: Orphanet 140162, MedGen C0027672, MeSH D009386, MONDO:0015356.

Submissions (2):

Labcorp Genetics (formerly Invitae), Labcorp
Classification: Uncertain significance for POLD1-related polyposis and colorectal cancer syndrome. Last evaluated: 2025-01-20. Review status: criteria provided, single submitter. Criteria: Invitae Variant Classification Sherloc (09022015). Collection method: clinical testing. Allele origin: germline.
Comment: This sequence change replaces proline, which is neutral and non-polar, with serine, which is neutral and polar, at codon 657 of the POLD1 protein (p.Pro657Ser). This variant is not present in population databases (gnomAD no frequency). This variant has not been reported in the literature in individuals affected with POLD1-related conditions. ClinVar contains an entry for this variant (Variation ID: 469231). Invitae Evidence Modeling of protein sequence and biophysical properties (such as structural, functional, and spatial information, amino acid conservation, physicochemical variation, residue mobility, and thermodynamic stability) indicates that this missense variant is not expected to disrupt POLD1 protein function with a negative predictive value of 80%. In summary, the available evidence is currently insufficient to determine the role of this variant in disease. Therefore, it has been classified as a Variant of Uncertain Significance.

Ambry Genetics
Classification: Uncertain significance for Hereditary cancer-predisposing syndrome. Last evaluated: 2025-01-15. Review status: criteria provided, single submitter. Criteria: Ambry Variant Classification Scheme 2023. Collection method: clinical testing. Allele origin: germline.
Comment: The p.P657S variant (also known as c.1969C>T), located in coding exon 15 of the POLD1 gene, results from a C to T substitution at nucleotide position 1969. The proline at codon 657 is replaced by serine, an amino acid with similar properties. This amino acid position is highly conserved in available vertebrate species. In addition, the in silico prediction for this alteration is inconclusive. Based on the available evidence, the clinical significance of this variant remains unclear.

NM_002691.4(POLD1):c.1969C>T (p.Pro657Ser)

Gene: POLD1 (DNA polymerase delta 1, catalytic subunit; plus strand). Cytogenetic location: 19q13.33.
Variant type: single nucleotide variant.
Coding change: c.1969C>T on transcript NM_002691.4 (MANE Select); coding-DNA position 1969, C replaced by T.
Protein change: p.Pro657Ser; replaces proline 657 with serine.
Molecular consequence: missense variant. On other transcripts: non-coding transcript variant (1).
Genome position (GRCh38, 1-based): chr19:50,409,198, C>T. VCF-style: chr19-50409198-C-T. GRCh37 (hg19) VCF-style: chr19-50912455-C-T.
Other names: c.1969C>T, p.Pro657Ser (NM_001256849.1); c.2047C>T, p.Pro683Ser (NM_001308632.1); c.1969C>T (NM_002691.2); short protein forms P657S, P683S.
Identifiers: ClinVar variation 469231 (VCV000469231.9), dbSNP rs1555791873, ClinGen allele CA406982342.
Genomic context (GRCh38, chr19:50,409,198, plus strand): 5'-TTCATCAGGACCCCCACCGGGGACGAGTTTGTGAAGACCTCAGTGCGGAAGGGGCTGCTG[C>T]CCCAGATCCTGGAGAACCTGCTCAGTGCCCGGAAGAGGTGAGCCCTGGAGATCGCCTGCT-3'
Protein context (NP_002682.2, residues 647-667): VKTSVRKGLL[Pro657Ser]QILENLLSAR